The following is an entry in ClinVar:

NM_024426.6(WT1):c.881A>G (p.Tyr294Cys)

Gene: WT1 (WT1 transcription factor; minus strand). Cytogenetic location: 11p13.
Variant type: single nucleotide variant.
Coding change: c.881A>G on transcript NM_024426.6 (MANE Select); coding-DNA position 881, A replaced by G.
Protein change: p.Tyr294Cys; replaces tyrosine 294 with cysteine.
Molecular consequence: missense variant. On other transcripts: non-coding transcript variant (2).
Genome position (GRCh38, 1-based): chr11:32,427,962, T>C on the plus strand (A>G on the coding strand, the complement: WT1 is on the minus strand). VCF-style: chr11-32427962-T-C. GRCh37 (hg19) VCF-style: chr11-32449508-T-C.
Other names: c.881A>G, p.Tyr294Cys (NM_000378.6, NM_001407044.1, NM_001407045.1 and 4 more transcripts); c.230A>G, p.Tyr77Cys (NM_001198551.2, NM_001198552.2); c.758A>G, p.Tyr253Cys (NM_001407047.1, NM_001407050.1); c.119A>G, p.Tyr40Cys (NM_001407051.1); c.662A>G, p.Tyr221Cys (NM_001429031.1, NM_001429032.1, NM_001429033.1 and 1 more transcripts); short protein forms Y221C, Y253C, Y294C, Y289C, Y40C, Y77C.
Identifiers: ClinVar variation 3817448 (VCV003817448.1).

ClinVar aggregate classification (germline): Uncertain significance (1 of 4 stars; one submission).

Conditions:
Inborn genetic diseases. Identifiers: MedGen C0950123, MeSH D030342.

Submission:

Ambry Genetics
Classification: Uncertain significance for Inborn genetic diseases. Last evaluated: 2024-12-15. Review status: criteria provided, single submitter. Criteria: Ambry Variant Classification Scheme 2023. Collection method: clinical testing. Allele origin: germline.
Comment: The p.Y289C variant (also known as c.866A>G), located in coding exon 3 of the WT1 gene, results from an A to G substitution at nucleotide position 866. The tyrosine at codon 289 is replaced by cysteine, an amino acid with highly dissimilar properties. This amino acid position is conserved. In addition, this alteration is predicted to be deleterious by in silico analysis. Based on the available evidence, the clinical significance of this variant remains unclear.